The following is an entry in ClinVar:

NM_002047.4(GARS1):c.689A>G (p.Lys230Arg)

Gene: GARS1 (glycyl-tRNA synthetase 1; plus strand). Cytogenetic location: 7p14.3.
Variant type: single nucleotide variant.
Coding change: c.689A>G on transcript NM_002047.4 (MANE Select); coding-DNA position 689, A replaced by G.
Protein change: p.Lys230Arg; replaces lysine 230 with arginine.
Molecular consequence: missense variant.
Genome position (GRCh38, 1-based): chr7:30,603,526, A>G. VCF-style: chr7-30603526-A-G. GRCh37 (hg19) VCF-style: chr7-30643142-A-G.
Other names: c.527A>G, p.Lys176Arg (NM_001316772.1); short protein forms K230R, K176R.
Identifiers: ClinVar variation 2978551 (VCV002978551.3), dbSNP rs1477468328, ClinGen allele CA367139935.
Genomic context (GRCh38, chr7:30,603,526, plus strand): 5'-GATTGATATATGTCAACACTGTTCTTACAGCTCATTTACAGAAATTGATGTCTGATAAGA[A>G]GTGTTCTGTCGAAAAGAAATCAGAAATGGAAAGTGTTTTGGCCCAGGTGAGTACTCTAGA-3'
Protein context (NP_002038.2, residues 220-240): AHLQKLMSDK[Lys230Arg]CSVEKKSEME

ClinVar aggregate classification (germline): Uncertain significance (1 of 4 stars; one submission).

Conditions:
Charcot-Marie-Tooth disease type 2. Also called: Charcot-Marie-Tooth type 2. Identifiers: Orphanet 64746, MedGen C0270914, MONDO:0018993.

Allele frequency attached by ClinVar (database versions not stated): gnomAD exomes below 0.00001.
gnomAD v4.1: 2 of 1,613,978 alleles (0.00012%); highest among the groups gnomAD compares: Admixed American, 0.0033%; no homozygotes.

Submission:

Labcorp Genetics (formerly Invitae), Labcorp
Classification: Uncertain significance for Charcot-Marie-Tooth disease type 2. Last evaluated: 2023-12-13. Review status: criteria provided, single submitter. Criteria: Invitae Variant Classification Sherloc (09022015). Collection method: clinical testing. Allele origin: germline.
Comment: This sequence change replaces lysine, which is basic and polar, with arginine, which is basic and polar, at codon 230 of the GARS protein (p.Lys230Arg). This variant is present in population databases (no rsID available, gnomAD 0.006%). This variant has not been reported in the literature in individuals affected with GARS-related conditions. Advanced modeling of protein sequence and biophysical properties (such as structural, functional, and spatial information, amino acid conservation, physicochemical variation, residue mobility, and thermodynamic stability) performed at Invitae indicates that this missense variant is not expected to disrupt GARS protein function with a negative predictive value of 95%. In summary, the available evidence is currently insufficient to determine the role of this variant in disease. Therefore, it has been classified as a Variant of Uncertain Significance.